The following is an entry in ClinVar:

NM_032043.3(BRIP1):c.731C>G (p.Pro244Arg)

Gene: BRIP1 (BRCA1 interacting DNA helicase 1; minus strand). Cytogenetic location: 17q23.2.
Variant type: single nucleotide variant.
Coding change: c.731C>G on transcript NM_032043.3 (MANE Select); coding-DNA position 731, C replaced by G.
Protein change: p.Pro244Arg; replaces proline 244 with arginine.
Molecular consequence: missense variant.
Genome position (GRCh38, 1-based): chr17:61,808,654, G>C on the plus strand (C>G on the coding strand, the complement: BRIP1 is on the minus strand). VCF-style: chr17-61808654-G-C. GRCh37 (hg19) VCF-style: chr17-59886015-G-C.
Other names: short protein forms P244R.
Identifiers: ClinVar variation 1407553 (VCV001407553.9), dbSNP rs2145419213, ClinGen allele CA400485030.
Genomic context (GRCh38, chr17:61,808,654, plus strand): 5'-CGGAGCTCTCTAGTAATCTGAGCAATCTGCTTGTGTGTGCGTGTCCCAAAATATATTTTG[G>C]GTATCTTGGATTTCCCTGTATGATCCTTCTTAATGGTATTCGATGACTCTTGACTGTTTC-3'
Protein context (NP_114432.2, residues 234-254): KKDHTGKSKI[Pro244Arg]KIYFGTRTHK

ClinVar aggregate classification (germline): Uncertain significance (1 of 4 stars; one submission).

Conditions:
Familial cancer of breast. Also called: Hereditary breast cancer; hereditary breast carcinoma; BREAST CANCER, FAMILIAL. Identifiers: Orphanet 227535, MedGen C0346153, MONDO:0016419, OMIM 114480. Disease mechanism: loss of function.
Fanconi anemia complementation group J. Also called: BRIP1-Related Fanconi Anemia. Identifiers: Orphanet 84, MedGen C1836860, MONDO:0012187, OMIM 609054.

Submission:

Labcorp Genetics (formerly Invitae), Labcorp
Classification: Uncertain significance for Familial cancer of breast; Fanconi anemia complementation group J. Last evaluated: 2022-02-05. Review status: criteria provided, single submitter. Criteria: Invitae Variant Classification Sherloc (09022015). Collection method: clinical testing. Allele origin: germline.
Comment: This sequence change replaces proline, which is neutral and non-polar, with arginine, which is basic and polar, at codon 244 of the BRIP1 protein (p.Pro244Arg). This variant is not present in population databases (gnomAD no frequency). This variant has not been reported in the literature in individuals affected with BRIP1-related conditions. Algorithms developed to predict the effect of missense changes on protein structure and function are either unavailable or do not agree on the potential impact of this missense change (SIFT: "Tolerated"; PolyPhen-2: "Probably Damaging"; Align-GVGD: "Class C0"). In summary, the available evidence is currently insufficient to determine the role of this variant in disease. Therefore, it has been classified as a Variant of Uncertain Significance.